The following is an entry in ClinVar:

NM_206933.4(USH2A):c.8661T>G (p.Tyr2887Ter)

Gene: USH2A (usherin; minus strand). Cytogenetic location: 1q41.
Variant type: single nucleotide variant.
Coding change: c.8661T>G on transcript NM_206933.4 (MANE Select); coding-DNA position 8661, T replaced by G.
Protein change: p.Tyr2887Ter; replaces tyrosine 2887 with a stop codon.
Molecular consequence: nonsense.
Genome position (GRCh38, 1-based): chr1:215,877,778, A>C on the plus strand (T>G on the coding strand, the complement: USH2A is on the minus strand). VCF-style: chr1-215877778-A-C. GRCh37 (hg19) VCF-style: chr1-216051120-A-C.
Other names: short protein forms Y2887*.
Identifiers: ClinVar variation 1459408 (VCV001459408.6), dbSNP rs2102450680, ClinGen allele CA344828976.

ClinVar aggregate classification (germline): Pathogenic (1 of 4 stars; one submission).

Submission:

Labcorp Genetics (formerly Invitae), Labcorp
Classification: Pathogenic. Last evaluated: 2022-09-13. Review status: criteria provided, single submitter. Criteria: Invitae Variant Classification Sherloc (09022015). Collection method: clinical testing. Allele origin: germline.
Comment: For these reasons, this variant has been classified as Pathogenic. ClinVar contains an entry for this variant (Variation ID: 1459408). This variant has not been reported in the literature in individuals affected with USH2A-related conditions. This variant is not present in population databases (gnomAD no frequency). This sequence change creates a premature translational stop signal (p.Tyr2887*) in the USH2A gene. It is expected to result in an absent or disrupted protein product. Loss-of-function variants in USH2A are known to be pathogenic (PMID: 10729113, 10909849, 20507924, 25649381).

Literature cited by the submitters: PubMed 10729113; PubMed 10909849; PubMed 20507924; PubMed 25649381.